The following is an entry in ClinVar:

NM_001510.4(GRID2):c.2899C>T (p.His967Tyr)

Gene: GRID2 (glutamate ionotropic receptor delta type subunit 2; plus strand). Cytogenetic location: 4q22.2.
Variant type: single nucleotide variant.
Coding change: c.2899C>T on transcript NM_001510.4 (MANE Select); coding-DNA position 2899, C replaced by T.
Protein change: p.His967Tyr; replaces histidine 967 with tyrosine.
Molecular consequence: missense variant. On other transcripts: intron variant (1).
Genome position (GRCh38, 1-based): chr4:93,772,373, C>T. VCF-style: chr4-93772373-C-T. GRCh37 (hg19) VCF-style: chr4-94693524-C-T.
Other names: p.His967Tyr; c.2614C>T, p.His872Tyr (NM_001286838.1); c.2601+2923C>T (NM_001440459.1); short protein forms H872Y, H967Y.
Identifiers: ClinVar variation 4540988 (VCV004540988.1).

ClinVar aggregate classification (germline): Uncertain significance (1 of 4 stars; one submission).

gnomAD v4.1: 2 of 1,613,998 alleles (0.00012%); highest among the groups gnomAD compares: Admixed American, 0.0017%; no homozygotes.

Submission:

Mayo Clinic Laboratories, Mayo Clinic
Classification: Uncertain significance. Last evaluated: 2025-09-30. Review status: criteria provided, single submitter. Criteria: ACMG Guidelines, 2015. Collection method: clinical testing. Allele origin: germline. Observed: 1 variant allele.
Comment: BP4, PM2_supporting